The following is an entry in ClinVar:

NM_006186.4(NR4A2):c.1385_1386del (p.Leu462fs)

Gene: NR4A2 (nuclear receptor subfamily 4 group A member 2; minus strand). Cytogenetic location: 2q24.1.
Variant type: Deletion.
Coding change: c.1385_1386del on transcript NM_006186.4 (MANE Select); coding-DNA positions 1385 to 1386, 2 bases deleted (TC; older notation c.1385_1386delTC).
Protein change: p.Leu462fs; shifts the reading frame from leucine 462.
Molecular consequence: frameshift variant.
Genome position (GRCh38, 1-based): chr2:156,326,304-156,326,305, GA deleted on the plus strand (TC on the coding strand, the reverse complement: NR4A2 is on the minus strand); deleting any 2 consecutive bases within chr2:156,326,304-156,326,306 gives the same sequence; the c. name uses the placement nearest the transcript's 3' end. VCF-style (leftmost placement, unchanged base first): chr2-156326303-TGA-T. GRCh37 (hg19) VCF-style: chr2-157182815-TGA-T.
Other names: c.1196_1197del, p.Leu399fs (NM_173173.3); short protein forms L399fs, L462fs.
Identifiers: ClinVar variation 4689843 (VCV004689843.1).
Genomic context (GRCh38, chr2:156,326,303, plus strand): 5'-TCCATTCCCCAAAGCCACGAACGCATTGCAACCTGTGCAAGACCACCCCATTGCAAAAGA[TGA>T]GTTTACCCTCCACTGGGTTGGACCTGCAATTAATACCAAAGAGAGAGAGGGGAGAAAAAG-3'

ClinVar aggregate classification (germline): Likely pathogenic (1 of 4 stars; one submission).

Submission:

GeneDx
Classification: Likely pathogenic. Last evaluated: 2025-07-28. Review status: criteria provided, single submitter. Criteria: GeneDx Variant Classification Process June 2021. Collection method: clinical testing. Allele origin: germline. Affected: yes.
Comment: Frameshift variant predicted to result in protein truncation or nonsense mediated decay in a gene for which loss of function is a known mechanism of disease; Not observed at significant frequency in large population cohorts (gnomAD); Has not been previously published as pathogenic or benign to our knowledge